The following is an entry in ClinVar:

ClinVar aggregate classification (germline): Uncertain significance. Review status: criteria provided, multiple submitters, no conflicts (2 of 4 stars). 3 submissions from 3 submitters: Uncertain significance (3). Last evaluated 2025-12-31.

Conditions:
Inborn genetic diseases. Identifiers: MedGen C0950123, MeSH D030342.
Glycogen storage disease due to muscle and heart glycogen synthase deficiency. Also called: GSD 0b; MUSCLE GLYCOGEN SYNTHASE DEFICIENCY. Identifiers: Orphanet 137625, MedGen C1969054, MONDO:0012693, OMIM 611556.

Allele frequency attached by ClinVar (database versions not stated): ExAC 0.00002; gnomAD exomes 0.00002 and 0.00004; gnomAD 0.00013 and 0.00015; TOPMed 0.00018; 1000 Genomes Project 0.00020; 1000 Genomes Project 30x 0.00031.

Submissions (3):

Labcorp Genetics (formerly Invitae), Labcorp
Classification: Uncertain significance for Glycogen storage disease due to muscle and heart glycogen synthase deficiency. Last evaluated: 2025-12-31. Review status: criteria provided, single submitter. Criteria: Invitae Variant Classification Sherloc (09022015). Collection method: clinical testing. Allele origin: germline.
Comment: This sequence change replaces arginine, which is basic and polar, with glutamine, which is neutral and polar, at codon 241 of the GYS1 protein (p.Arg241Gln). This variant is present in population databases (rs192597341, gnomAD 0.05%). This variant has not been reported in the literature in individuals affected with GYS1-related conditions. ClinVar contains an entry for this variant (Variation ID: 1018886). Invitae Evidence Modeling of protein sequence and biophysical properties (such as structural, functional, and spatial information, amino acid conservation, physicochemical variation, residue mobility, and thermodynamic stability) indicates that this missense variant is not expected to disrupt GYS1 protein function with a negative predictive value of 80%. In summary, the available evidence is currently insufficient to determine the role of this variant in disease. Therefore, it has been classified as a Variant of Uncertain Significance.

Ambry Genetics
Classification: Uncertain significance for Inborn genetic diseases. Last evaluated: 2025-06-24. Review status: criteria provided, single submitter. Criteria: Ambry Variant Classification Scheme 2023. Collection method: clinical testing. Allele origin: germline.

Mayo Clinic Laboratories, Mayo Clinic
Classification: Uncertain significance. Last evaluated: 2023-04-18. Review status: criteria provided, single submitter. Criteria: ACMG Guidelines, 2015. Collection method: clinical testing. Allele origin: germline. Observed: 1 variant allele.

NM_002103.5(GYS1):c.722G>A (p.Arg241Gln)

Gene: GYS1 (glycogen synthase 1; minus strand). Cytogenetic location: 19q13.33.
Variant type: single nucleotide variant.
Coding change: c.722G>A on transcript NM_002103.5 (MANE Select); coding-DNA position 722, G replaced by A.
Protein change: p.Arg241Gln; replaces arginine 241 with glutamine.
Molecular consequence: missense variant. On other transcripts: non-coding transcript variant (1).
Genome position (GRCh38, 1-based): chr19:48,985,562, C>T on the plus strand (G>A on the coding strand, the complement: GYS1 is on the minus strand). VCF-style: chr19-48985562-C-T. GRCh37 (hg19) VCF-style: chr19-49488819-C-T.
Other names: p.Arg241Gln; c.722G>A (NM_002103.4); c.530G>A, p.Arg177Gln (NM_001161587.2); short protein forms R177Q, R241Q.
Identifiers: ClinVar variation 1018886 (VCV001018886.9), dbSNP rs192597341, ClinGen allele CA9563238.